The following is an entry in ClinVar:

NM_017563.5(IL17RD):c.987A>G (p.Ile329Met)

Gene: IL17RD (interleukin 17 receptor D; minus strand). Cytogenetic location: 3p14.3.
Variant type: single nucleotide variant.
Coding change: c.987A>G on transcript NM_017563.5 (MANE Select); coding-DNA position 987, A replaced by G.
Protein change: p.Ile329Met; replaces isoleucine 329 with methionine.
Molecular consequence: missense variant.
Genome position (GRCh38, 1-based): chr3:57,101,356, T>C on the plus strand (A>G on the coding strand, the complement: IL17RD is on the minus strand). VCF-style: chr3-57101356-T-C. GRCh37 (hg19) VCF-style: chr3-57135384-T-C.
Other names: c.555A>G, p.Ile185Met (NM_001318864.2); short protein forms I185M, I329M.
Identifiers: ClinVar variation 4753890 (VCV004753890.1).

ClinVar aggregate classification (germline): Uncertain significance (1 of 4 stars; one submission).

gnomAD v4.1: 117 of 1,588,166 alleles (0.0074%); highest among the groups gnomAD compares: East Asian, 0.26%; no homozygotes.

Submission:

Labcorp Genetics (formerly Invitae), Labcorp
Classification: Uncertain significance. Last evaluated: 2025-09-03. Review status: criteria provided, single submitter. Criteria: Invitae Variant Classification Sherloc (09022015). Collection method: clinical testing. Allele origin: germline.
Comment: This sequence change replaces isoleucine, which is neutral and non-polar, with methionine, which is neutral and non-polar, at codon 329 of the IL17RD protein (p.Ile329Met). This variant is present in population databases (rs143634778, gnomAD 0.02%). This missense change has been observed in individual(s) with IL17RD-related conditions (PMID: 32389901). Invitae Evidence Modeling of protein sequence and biophysical properties (such as structural, functional, and spatial information, amino acid conservation, physicochemical variation, residue mobility, and thermodynamic stability) has been performed for this missense variant. However, the output from this modeling did not meet the statistical confidence thresholds required to predict the impact of this variant on IL17RD protein function. In summary, the available evidence is currently insufficient to determine the role of this variant in disease. Therefore, it has been classified as a Variant of Uncertain Significance.

Literature cited by the submitters: PubMed 32389901.